The following is an entry in ClinVar:

ClinVar aggregate classification (germline): Uncertain significance (1 of 4 stars; one submission).

Conditions:
Common variable immunodeficiency (CVID). Also called: Common variable hypogamma-globulinemia; Common variable agammaglobulinemia. Identifiers: Orphanet 1572, MedGen C0009447, MONDO:0015517.

Allele frequency attached by ClinVar (database versions not stated): gnomAD 0.00005; TOPMed 0.00005; gnomAD exomes 0.00006; ExAC 0.00012; 1000 Genomes Project 0.00020; 1000 Genomes Project 30x 0.00031.
gnomAD v4.1: 96 of 1,613,990 alleles (0.0059%); highest among the groups gnomAD compares: East Asian, 0.12%; no homozygotes.

Submission:

Labcorp Genetics (formerly Invitae), Labcorp
Classification: Uncertain significance for Common variable immunodeficiency. Last evaluated: 2024-09-14. Review status: criteria provided, single submitter. Criteria: Invitae Variant Classification Sherloc (09022015). Collection method: clinical testing. Allele origin: germline.
Comment: This sequence change replaces glycine, which is neutral and non-polar, with arginine, which is basic and polar, at codon 121 of the TNFSF12 protein (p.Gly121Arg). This variant is present in population databases (rs200558366, gnomAD 0.07%), and has an allele count higher than expected for a pathogenic variant. This variant has not been reported in the literature in individuals affected with TNFSF12-related conditions. An algorithm developed to predict the effect of missense changes on protein structure and function outputs the following: PolyPhen-2: "Benign". The arginine amino acid residue is found in multiple mammalian species, which suggests that this missense change does not adversely affect protein function. In summary, the available evidence is currently insufficient to determine the role of this variant in disease. Therefore, it has been classified as a Variant of Uncertain Significance.

NM_003809.3(TNFSF12):c.361G>A (p.Gly121Arg)

Genes: TNFSF12 (TNF superfamily member 12; plus strand), TNFSF12-TNFSF13 (TNFSF12-TNFSF13 readthrough; plus strand). Cytogenetic location: 17p13.1.
Variant type: single nucleotide variant.
Coding change: c.361G>A on transcript NM_003809.3 (MANE Select); coding-DNA position 361, G replaced by A.
Protein change: p.Gly121Arg; replaces glycine 121 with arginine.
Molecular consequence: missense variant. On other transcripts: non-coding transcript variant (1).
Genome position (GRCh38, 1-based): chr17:7,550,966, G>A. VCF-style: chr17-7550966-G-A. GRCh37 (hg19) VCF-style: chr17-7454283-G-A.
Other names: c.361G>A, p.Gly121Arg (NM_172089.4); short protein forms G121R.
Identifiers: ClinVar variation 2720354 (VCV002720354.3), dbSNP rs200558366, ClinGen allele CA8350788.